The following is an entry in ClinVar:

NM_005918.4(MDH2):c.499T>C (p.Phe167Leu)

Gene: MDH2 (malate dehydrogenase 2; plus strand). Cytogenetic location: 7q11.23.
Variant type: single nucleotide variant.
Coding change: c.499T>C on transcript NM_005918.4 (MANE Select); coding-DNA position 499, T replaced by C.
Protein change: p.Phe167Leu; replaces phenylalanine 167 with leucine.
Molecular consequence: missense variant. On other transcripts: intron variant (1).
Genome position (GRCh38, 1-based): chr7:76,060,442, T>C. VCF-style: chr7-76060442-T-C. GRCh37 (hg19) VCF-style: chr7-75689760-T-C.
Other names: c.178T>C, p.Phe60Leu (NM_001282404.2); c.429+2364T>C (NM_001282403.2); short protein forms F167L, F60L.
Identifiers: ClinVar variation 3225196 (VCV003225196.1), dbSNP rs2535863911, ClinGen allele CA367764992.

ClinVar aggregate classification (germline): Uncertain significance (1 of 4 stars; one submission).

Conditions:
Inborn genetic diseases. Identifiers: MedGen C0950123, MeSH D030342.

gnomAD v4.1: 1 of 1,614,038 alleles (0.000062%); no homozygotes.

Submission:

Ambry Genetics
Classification: Uncertain significance for Inborn genetic diseases. Last evaluated: 2024-01-21. Review status: criteria provided, single submitter. Criteria: Ambry Variant Classification Scheme 2023. Collection method: clinical testing. Allele origin: germline.
Comment: The p.F167L variant (also known as c.499T>C), located in coding exon 5 of the MDH2 gene, results from a T to C substitution at nucleotide position 499. The phenylalanine at codon 167 is replaced by leucine, an amino acid with highly similar properties. This amino acid position is conserved. In addition, this alteration is predicted to be deleterious by in silico analysis. Based on the available evidence, the clinical significance of this alteration remains unclear.